The following is an entry in ClinVar:

NM_024753.5(TTC21B):c.3004C>G (p.Leu1002Val)

Gene: TTC21B (tetratricopeptide repeat domain 21B; minus strand). Cytogenetic location: 2q24.3.
Variant type: single nucleotide variant.
Coding change: c.3004C>G on transcript NM_024753.5 (MANE Select); coding-DNA position 3004, C replaced by G.
Protein change: p.Leu1002Val; replaces leucine 1002 with valine.
Molecular consequence: missense variant.
Genome position (GRCh38, 1-based): chr2:165,890,935, G>C on the plus strand (C>G on the coding strand, the complement: TTC21B is on the minus strand). VCF-style: chr2-165890935-G-C. GRCh37 (hg19) VCF-style: chr2-166747445-G-C.
Other names: short protein forms L1002V.
Identifiers: ClinVar variation 195777 (VCV000195777.82), dbSNP rs146496725, ClinGen allele CA201936.

ClinVar aggregate classification (germline): Conflicting classifications of pathogenicity. Review status: criteria provided, conflicting classifications (1 of 4 stars). 15 submissions from 14 submitters: Uncertain significance (1); Benign (6); Likely benign (8). Last evaluated 2026-07-01.

Conditions:
Connective tissue disorder. Also called: Connective tissue disease. Identifiers: MedGen C0009782, MONDO:0003900.
Nephronophthisis. Also called: Juvenile Nephronophthisis. Identifiers: Orphanet 655, MedGen C0687120, MONDO:0019005, HP:0000090.
Jeune thoracic dystrophy. Also called: Infantile thoracic dystrophy; Thoracic pelvic phalangeal dystrophy; Jeune's syndrome; Chondroectodermal dysplasia-like syndrome; Jeune syndrome; Short-rib thoracic dysplasia. Identifiers: Orphanet 474, MedGen C0265275, MONDO:0018770.
Joubert syndrome 1 (JBTS1). Also called: CEREBELLOPARENCHYMAL DISORDER IV; Cerebellooculorenal syndrome 1. Identifiers: MedGen C4551568, MONDO:0008944, OMIM 213300.
Nephronophthisis 12 (NPHP12). Identifiers: Orphanet 655, MedGen C3151186, MONDO:0013442, OMIM 613820.
Asphyxiating thoracic dystrophy 4 (SRTD4). Also called: SHORT-RIB THORACIC DYSPLASIA 4 WITH OR WITHOUT POLYDACTYLY; SHORT-RIB THORACIC DYSPLASIA 4. Identifiers: Orphanet 474, MedGen C3151185, MONDO:0013441, OMIM 613819.
Chronic kidney disease. Identifiers: MedGen C1561643, MONDO:0005300, HP:0012622.

Allele frequency attached by ClinVar (database versions not stated): 1000 Genomes Project 30x 0.00109; 1000 Genomes Project 0.00120; gnomAD 0.00517 and 0.00537; gnomAD exomes 0.00529; TOPMed 0.00529; ExAC 0.00561; ESP Exome Variant Server 0.00654.
gnomAD v4.1: 12,991 of 1,612,974 alleles (0.81%); highest among the groups gnomAD compares: Non-Finnish European, 0.99%; 74 homozygotes.

Submissions (15):

CeGaT Center for Human Genetics Tuebingen
Classification: Benign. Last evaluated: 2026-07-01. Review status: criteria provided, single submitter. Criteria: CeGaT Center For Human Genetics Tuebingen Variant Classification Criteria Version 2. Collection method: clinical testing. Allele origin: germline. Affected: yes. Observed: 15 variant alleles.
Comment: TTC21B: BS1, BS2

Labcorp Genetics (formerly Invitae), Labcorp
Classification: Benign for Jeune thoracic dystrophy; Nephronophthisis. Last evaluated: 2026-02-02. Review status: criteria provided, single submitter. Criteria: Invitae Variant Classification Sherloc (09022015). Collection method: clinical testing. Allele origin: germline.

Blueprint Genetics
Classification: Likely benign. Last evaluated: 2024-11-22. Review status: criteria provided, single submitter. Criteria: ACMG Guidelines, 2015. Collection method: clinical testing. Allele origin: germline.

ARUP Laboratories, Molecular Genetics and Genomics, ARUP Laboratories
Classification: Likely benign. Last evaluated: 2023-10-02. Review status: criteria provided, single submitter. Criteria: ARUP Molecular Germline Variant Investigation Process 2024. Collection method: clinical testing. Allele origin: germline.

Mayo Clinic Laboratories, Mayo Clinic
Classification: Benign. Last evaluated: 2023-06-21. Review status: criteria provided, single submitter. Criteria: ACMG Guidelines, 2015. Collection method: clinical testing. Allele origin: germline. Observed: 5 variant alleles.
Comment: BS1, BS2, BP4

GeneDx
Classification: Benign. Last evaluated: 2020-06-15. Review status: criteria provided, single submitter. Criteria: GeneDx Variant Classification Process June 2021. Collection method: clinical testing. Allele origin: germline. Affected: yes.
Comment: This variant is associated with the following publications: (PMID: 21258341, 26940125)

Cavalleri Lab, Royal College of Surgeons in Ireland
Classification: Likely benign for Chronic kidney disease. Last evaluated: 2020-05-28. Review status: criteria provided, single submitter. Criteria: ACMG Guidelines, 2015. Collection method: research. Allele origin: unknown. Inheritance: Autosomal dominant inheritance. Affected: yes.
Comment: PP3, BP6, BS1

Mendelics
Classification: Benign for Joubert syndrome 1. Last evaluated: 2019-05-28. Review status: criteria provided, single submitter. Criteria: Mendelics Assertion Criteria 2017. Collection method: clinical testing. Allele origin: unknown.

Genome Diagnostics Laboratory, The Hospital for Sick Children
Classification: Likely benign for Connective tissue disorder. Last evaluated: 2018-10-01. Review status: criteria provided, single submitter. Criteria: ACMG Guidelines, 2015. Collection method: clinical testing. Allele origin: germline.

Center for Pediatric Genomic Medicine, Children's Mercy Hospital and Clinics
Classification: Likely benign. Last evaluated: 2017-08-16. Review status: criteria provided, single submitter. Criteria: ACMG Guidelines, 2015. Collection method: clinical testing. Allele origin: germline.

Illumina Laboratory Services, Illumina
Classification: Likely benign for Asphyxiating thoracic dystrophy 4. Last evaluated: 2017-04-27. Review status: criteria provided, single submitter. Criteria: ICSL Variant Classification Criteria 13 December 2019. Collection method: clinical testing. Allele origin: germline.
Comment: This variant was observed as part of a predisposition screen in an ostensibly healthy population. A literature search was performed for the gene, cDNA change, and amino acid change (where applicable). No publications were found based on this search. Allele frequency data from public databases allowed determination this variant is unlikely to cause disease. Therefore, this variant is classified as likely benign.

Illumina Laboratory Services, Illumina
Classification: Likely benign for Nephronophthisis 12. Last evaluated: 2017-04-27. Review status: criteria provided, single submitter. Criteria: ICSL Variant Classification Criteria 13 December 2019. Collection method: clinical testing. Allele origin: germline.
Comment: the same text as in the submission from Illumina Laboratory Services, Illumina above.

Laboratory for Molecular Medicine, Mass General Brigham Personalized Medicine
Classification: Uncertain significance. Last evaluated: 2016-03-29. Review status: criteria provided, single submitter. Criteria: LMM Criteria. Collection method: clinical testing. Allele origin: germline.
Comment: Variant identified in a genome or exome case(s) and assessed due to predicted null impact of the variant or pathogenic assertions in the literature or databases. Disclaimer: This variant has not undergone full assessment. The following are preliminary notes: Has been reported in 5 individuals with MKS, BBS, or NPHP (Davis 2011). All were heterozygotes only, except for one individual with BBS who also had a frameshift variant in this gene. Led to partial rescue of function in zebrafish knockdown studies and mislocalized protein in photoreceptors in retinal electroporation assays. Also identified in 1/356 control chromosomes. 0.9% freq in Eur chr in ExAC.

Eurofins Ntd Llc (ga)
Classification: Benign. Last evaluated: 2015-01-12. Review status: criteria provided, single submitter. Criteria: EGL Classification Definitions 2015. Collection method: clinical testing. Allele origin: germline. Observed: 1 variant allele, 1 heterozygote.

PreventionGenetics, part of Exact Sciences
Classification: Likely benign. Review status: criteria provided, single submitter. Criteria: ACMG Guidelines, 2015. Collection method: clinical testing. Allele origin: germline.

Literature cited by the submitters: PubMed 21258341 (cited by Mayo Clinic Laboratories, Mayo Clinic); PubMed 26940125 (cited by Mayo Clinic Laboratories, Mayo Clinic); PubMed 34426522 (cited by Mayo Clinic Laboratories, Mayo Clinic); PubMed 36263627 (cited by Mayo Clinic Laboratories, Mayo Clinic).